The following is an entry in ClinVar:

ClinVar aggregate classification (germline): Uncertain significance (1 of 4 stars; one submission).

Allele frequency attached by ClinVar (database versions not stated): gnomAD exomes 0.00001.
gnomAD v4.1: 15 of 1,575,892 alleles (0.00095%); highest among the groups gnomAD compares: Non-Finnish European, 0.0013%; no homozygotes.

Submission:

GeneDx
Classification: Uncertain significance. Last evaluated: 2024-04-05. Review status: criteria provided, single submitter. Criteria: GeneDx Variant Classification Process June 2021. Collection method: clinical testing. Allele origin: germline. Affected: yes.
Comment: Not observed at significant frequency in large population cohorts (gnomAD); In silico analysis supports that this missense variant does not alter protein structure/function; Has not been previously published as pathogenic or benign to our knowledge

NM_017780.4(CHD7):c.1690G>C (p.Glu564Gln)

Genes: CHD7 (chromodomain helicase DNA binding protein 7; plus strand), LOC126860403 (CDK7 strongly-dependent group 2 enhancer GRCh37_chr8:61693034-61694233; plus strand). Cytogenetic location: 8q12.2.
Variant type: single nucleotide variant.
Coding change: c.1690G>C on transcript NM_017780.4 (MANE Select); coding-DNA position 1690, G replaced by C.
Protein change: p.Glu564Gln; replaces glutamic acid 564 with glutamine.
Molecular consequence: missense variant.
Genome position (GRCh38, 1-based): chr8:60,781,024, G>C. VCF-style: chr8-60781024-G-C. GRCh37 (hg19) VCF-style: chr8-61693583-G-C.
Other names: c.1690G>C, p.Glu564Gln (NM_001316690.1); short protein forms E564Q.
Identifiers: ClinVar variation 3253228 (VCV003253228.1), dbSNP rs2487536422.
Genomic context (GRCh38, chr8:60,781,024, plus strand): 5'-GATAAACTAATTTCAATTCCTATTTGTGTCTCTCAGCATTCCCCGTCGGAGCCCTTTCTA[G>C]AGAAACCAGTGCCGGATATGACTCAGGTTAGTGGACCGAATGCTCAGCTAGTGAAGAGTG-3'
Protein context (NP_060250.2, residues 554-574): HQHSPSEPFL[Glu564Gln]KPVPDMTQVS